The following is an entry in ClinVar:

ClinVar aggregate classification (germline): Uncertain significance. Review status: criteria provided, multiple submitters, no conflicts (2 of 4 stars). 2 submissions from 2 submitters: Uncertain significance (2). Last evaluated 2026-03-27.

Conditions:
Inborn genetic diseases. Identifiers: MedGen C0950123, MeSH D030342.

Allele frequency attached by ClinVar (database versions not stated): gnomAD exomes below 0.00001; gnomAD 0.00001; TOPMed 0.00001.

Submissions (2):

Ambry Genetics
Classification: Uncertain significance for Inborn genetic diseases. Last evaluated: 2026-03-27. Review status: criteria provided, single submitter. Criteria: Ambry Variant Classification Scheme 2023. Collection method: clinical testing. Allele origin: germline.

CeGaT Center for Human Genetics Tuebingen
Classification: Uncertain significance. Last evaluated: 2022-05-01. Review status: criteria provided, single submitter. Criteria: CeGaT Center For Human Genetics Tuebingen Variant Classification Criteria Version 2. Collection method: clinical testing. Allele origin: germline. Affected: yes. Observed: 1 variant allele.
Comment: CDKL5: PM2, BP4

NM_001323289.2(CDKL5):c.1118G>C (p.Gly373Ala)

Gene: CDKL5 (cyclin dependent kinase like 5; plus strand). Cytogenetic location: Xp22.13.
Variant type: single nucleotide variant.
Coding change: c.1118G>C on transcript NM_001323289.2 (MANE Select); coding-DNA position 1118, G replaced by C.
Protein change: p.Gly373Ala; replaces glycine 373 with alanine.
Molecular consequence: missense variant.
Genome position (GRCh38, 1-based): chrX:18,604,042, G>C. VCF-style: chrX-18604042-G-C. GRCh37 (hg19) VCF-style: chrX-18622162-G-C.
Other names: c.1118G>C (NM_003159.2); c.1118G>C, p.Gly373Ala (NM_001037343.2, NM_003159.3); short protein forms G373A.
Identifiers: ClinVar variation 2660100 (VCV002660100.25), dbSNP rs1172335398, ClinGen allele CA412359551.